The following is an entry in ClinVar:

NM_001243133.2(NLRP3):c.208G>C (p.Val70Leu)

Gene: NLRP3 (NLR family pyrin domain containing 3; plus strand). Cytogenetic location: 1q44.
Variant type: single nucleotide variant.
Coding change: c.208G>C on transcript NM_001243133.2 (MANE Select); coding-DNA position 208, G replaced by C.
Protein change: p.Val70Leu; replaces valine 70 with leucine.
Molecular consequence: missense variant.
Genome position (GRCh38, 1-based): chr1:247,419,008, G>C. VCF-style: chr1-247419008-G-C. GRCh37 (hg19) VCF-style: chr1-247582310-G-C.
Other names: c.208G>C, p.Val70Leu (NM_001079821.3, NM_001127461.3, NM_001127462.3 and 1 more transcripts); c.214G>C, p.Val72Leu (NM_004895.5); short protein forms V70L, V72L.
Identifiers: ClinVar variation 946603 (VCV000946603.10), dbSNP rs117287351, ClinGen allele CA345552705.

ClinVar aggregate classification (germline): Uncertain significance. Review status: criteria provided, multiple submitters, no conflicts (2 of 4 stars). 2 submissions from 2 submitters: Uncertain significance (2). Last evaluated 2022-12-13.

Conditions:
Familial amyloid nephropathy with urticaria AND deafness (MWS). Also called: UDA SYNDROME; URTICARIA-DEAFNESS-AMYLOIDOSIS SYNDROME; MUCKLE-WELLS SYNDROME; CRYOPYRIN-ASSOCIATED PERIODIC SYNDROME 2; Urticaria, deafness and amyloidosis. Identifiers: Orphanet 575, MedGen C0268390, MONDO:0008633, OMIM 191900.
Familial cold autoinflammatory syndrome 1 (FCAS1). Also called: CRYOPYRIN-ASSOCIATED PERIODIC SYNDROME 1; Familial cold inflammatory syndrome 1. Identifiers: Orphanet 47045, MedGen C4551895, MONDO:0007349, OMIM 120100.
Chronic infantile neurological, cutaneous and articular syndrome (CINCA). Also called: Prieur Griscelli syndrome; CRYOPYRIN-ASSOCIATED PERIODIC SYNDROME 3; CINCA syndrome; CHRONIC NEUROLOGIC CUTANEOUS AND ARTICULAR SYNDROME. Identifiers: Orphanet 1451, MedGen C0409818, MONDO:0011776, OMIM 607115.
Cryopyrin associated periodic syndrome (CAPS). Identifiers: Orphanet 208650, MedGen C2316212, MONDO:0016168.

gnomAD v4.1: 5 of 1,613,968 alleles (0.00031%); highest among the groups gnomAD compares: Middle Eastern, 0.033%; no homozygotes.

Submissions (2):

Department of Pathology and Laboratory Medicine, Sinai Health System
Classification: Uncertain significance for Chronic infantile neurological, cutaneous and articular syndrome; Familial amyloid nephropathy with urticaria AND deafness; Familial cold autoinflammatory syndrome 1. Last evaluated: 2022-12-13. Review status: criteria provided, single submitter. Criteria: ACMG Guidelines, 2015. Collection method: research. Allele origin: germline.

Labcorp Genetics (formerly Invitae), Labcorp
Classification: Uncertain significance for Cryopyrin associated periodic syndrome. Last evaluated: 2020-11-27. Review status: criteria provided, single submitter. Criteria: Invitae Variant Classification Sherloc (09022015). Collection method: clinical testing. Allele origin: germline.
Comment: Algorithms developed to predict the effect of missense changes on protein structure and function output the following: SIFT: "Tolerated"; PolyPhen-2: "Benign"; Align-GVGD: "Class C0". The leucine amino acid residue is found in multiple mammalian species, suggesting that this missense change does not adversely affect protein function. These predictions have not been confirmed by published functional studies and their clinical significance is uncertain. In summary, the available evidence is currently insufficient to determine the role of this variant in disease. Therefore, it has been classified as a Variant of Uncertain Significance. This variant has not been reported in the literature in individuals with NLRP3-related conditions. ClinVar contains an entry for this variant (Variation ID: 946603). This variant is not present in population databases (ExAC no frequency). This sequence change replaces valine with leucine at codon 72 of the NLRP3 protein (p.Val72Leu). The valine residue is moderately conserved and there is a small physicochemical difference between valine and leucine.